The following is an entry in ClinVar:

NM_007194.4(CHEK2):c.930T>A (p.Phe310Leu)

Gene: CHEK2 (checkpoint kinase 2; minus strand). Cytogenetic location: 22q12.1.
Variant type: single nucleotide variant.
Coding change: c.930T>A on transcript NM_007194.4 (MANE Select); coding-DNA position 930, T replaced by A.
Protein change: p.Phe310Leu; replaces phenylalanine 310 with leucine.
Molecular consequence: missense variant.
Genome position (GRCh38, 1-based): chr22:28,699,916, A>T on the plus strand (T>A on the coding strand, the complement: CHEK2 is on the minus strand). VCF-style: chr22-28699916-A-T. GRCh37 (hg19) VCF-style: chr22-29095904-A-T.
Other names: c.1059T>A, p.Phe353Leu (NM_001005735.3); c.267T>A, p.Phe89Leu (NM_001257387.3); c.729T>A, p.Phe243Leu (NM_001349956.3); c.930T>A, p.Phe310Leu (NM_145862.3); short protein forms F243L, F310L, F353L, F89L.
Identifiers: ClinVar variation 3366186 (VCV003366186.1).

ClinVar aggregate classification (germline): Uncertain significance (1 of 4 stars; one submission).

Submission:

GeneDx
Classification: Uncertain significance. Last evaluated: 2023-10-23. Review status: criteria provided, single submitter. Criteria: GeneDx Variant Classification Process June 2021. Collection method: clinical testing. Allele origin: germline. Affected: yes.
Comment: Not observed at significant frequency in large population cohorts (gnomAD); In silico analysis supports that this missense variant has a deleterious effect on protein structure/function; Has not been previously published as pathogenic or benign to our knowledge; This variant is associated with the following publications: (PMID: 22419737, 19782031)